The following is an entry in ClinVar:

NM_000091.5(COL4A3):c.646G>A (p.Gly216Ser)

Genes: COL4A3 (collagen type IV alpha 3 chain; plus strand), MFF-DT (MFF divergent transcript; minus strand). Cytogenetic location: 2q36.3.
Variant type: single nucleotide variant.
Coding change: c.646G>A on transcript NM_000091.5 (MANE Select); coding-DNA position 646, G replaced by A.
Protein change: p.Gly216Ser; replaces glycine 216 with serine.
Molecular consequence: missense variant.
Genome position (GRCh38, 1-based): chr2:227,253,296, G>A. VCF-style: chr2-227253296-G-A. GRCh37 (hg19) VCF-style: chr2-228118012-G-A.
Other names: short protein forms G216S.
Identifiers: ClinVar variation 2005829 (VCV002005829.1), dbSNP rs1169752185, ClinGen allele CA350864766.

ClinVar aggregate classification (germline): Uncertain significance (1 of 4 stars; one submission).

Allele frequency attached by ClinVar (database versions not stated): TOPMed below 0.00001.

Submission:

Labcorp Genetics (formerly Invitae), Labcorp
Classification: Uncertain significance. Last evaluated: 2022-06-13. Review status: criteria provided, single submitter. Criteria: Invitae Variant Classification Sherloc (09022015). Collection method: clinical testing. Allele origin: germline.
Comment: This sequence change replaces glycine, which is neutral and non-polar, with serine, which is neutral and polar, at codon 216 of the COL4A3 protein (p.Gly216Ser). This variant is not present in population databases (gnomAD no frequency). This variant has not been reported in the literature in individuals affected with COL4A3-related conditions. Algorithms developed to predict the effect of missense changes on protein structure and function are either unavailable or do not agree on the potential impact of this missense change (SIFT: "Tolerated"; PolyPhen-2: "Probably Damaging"; Align-GVGD: "Class C0"). In summary, the available evidence is currently insufficient to determine the role of this variant in disease. Therefore, it has been classified as a Variant of Uncertain Significance.